The following is an entry in ClinVar:

NM_007192.4(SUPT16H):c.1345G>A (p.Asp449Asn)

Gene: SUPT16H (SPT16 homolog, facilitates chromatin remodeling subunit; minus strand). Cytogenetic location: 14q11.2.
Variant type: single nucleotide variant.
Coding change: c.1345G>A on transcript NM_007192.4 (MANE Select); coding-DNA position 1345, G replaced by A.
Protein change: p.Asp449Asn; replaces aspartic acid 449 with asparagine.
Molecular consequence: missense variant.
Genome position (GRCh38, 1-based): chr14:21,363,283, C>T on the plus strand (G>A on the coding strand, the complement: SUPT16H is on the minus strand). VCF-style: chr14-21363283-C-T. GRCh37 (hg19) VCF-style: chr14-21831442-C-T.
Other names: short protein forms D449N.
Identifiers: ClinVar variation 1314807 (VCV001314807.2), dbSNP rs2139403356, ClinGen allele CA388866673.
Genomic context (GRCh38, chr14:21,363,283, plus strand): 5'-GTAAACTTACTCTTGTTCTTTCTGTAAGTAATGCTGCCCGAGAACCTCTTCCCAAAAGGT[C>T]CTCTGCCTCATCTTTCTCCTCCTCCTCTTCTTCCTCATCTTCATTCTATGGAAAAAGTCA-3'
Protein context (NP_009123.1, residues 439-459): EEEEEKDEAE[Asp449Asn]LLGRGSRAAL

ClinVar aggregate classification (germline): Uncertain significance (1 of 4 stars; one submission).

Submission:

GeneDx
Classification: Uncertain significance. Last evaluated: 2021-04-23. Review status: criteria provided, single submitter. Criteria: GeneDx Variant Classification Process June 2021. Collection method: clinical testing. Allele origin: germline. Affected: yes.
Comment: Not observed in large population cohorts (Lek et al., 2016); In silico analysis supports that this missense variant does not alter protein structure/function; Has not been previously published as pathogenic or benign to our knowledge